The following is an entry in ClinVar:

NM_001048174.2(MUTYH):c.943C>A (p.Leu315Met)

Gene: MUTYH (mutY DNA glycosylase; minus strand). Cytogenetic location: 1p34.1.
Variant type: single nucleotide variant.
Coding change: c.943C>A on transcript NM_001048174.2 (MANE Select); coding-DNA position 943, C replaced by A.
Protein change: p.Leu315Met; replaces leucine 315 with methionine.
Molecular consequence: missense variant. On other transcripts: non-coding transcript variant (7).
Genome position (GRCh38, 1-based): chr1:45,331,820, G>T on the plus strand (C>A on the coding strand, the complement: MUTYH is on the minus strand). VCF-style: chr1-45331820-G-T. GRCh37 (hg19) VCF-style: chr1-45797492-G-T.
Other names: c.943C>A, p.Leu315Met (NM_001048171.2, NM_001048173.2, NM_001293195.2 and 6 more transcripts); c.946C>A, p.Leu316Met (NM_001048172.2, NM_001407071.1, NM_001407078.1 and 1 more transcripts); c.1027C>A, p.Leu343Met (NM_001128425.2); c.988C>A, p.Leu330Met (NM_001293190.2); c.976C>A, p.Leu326Met (NM_001293191.2, NM_001407069.1, NM_001407077.1); c.667C>A, p.Leu223Met (NM_001293192.2, NM_001293196.2, NM_001407091.1); c.598C>A, p.Leu200Met (NM_001350650.2, NM_001350651.2, NM_001407082.1); c.859C>A, p.Leu287Met (NM_001407075.1); and 5 more; short protein forms L200M, L330M, L287M, L340M, L343M, L301M, L302M, L326M.
Identifiers: ClinVar variation 4112934 (VCV004112934.1).

ClinVar aggregate classification (germline): Uncertain significance (1 of 4 stars; one submission).

Conditions:
Hereditary cancer-predisposing syndrome. Also called: Tumor predisposition; Neoplastic Syndromes, Hereditary; Hereditary neoplastic syndrome; Hereditary Cancer Syndrome. Identifiers: Orphanet 140162, MedGen C0027672, MeSH D009386, MONDO:0015356.

Submission:

Ambry Genetics
Classification: Uncertain significance for Hereditary cancer-predisposing syndrome. Last evaluated: 2025-08-27. Review status: criteria provided, single submitter. Criteria: Ambry Variant Classification Scheme 2023. Collection method: clinical testing. Allele origin: germline.
Comment: The p.L343M variant (also known as c.1027C>A), located in coding exon 12 of the MUTYH gene, results from a C to A substitution at nucleotide position 1027. The leucine at codon 343 is replaced by methionine, an amino acid with highly similar properties. This amino acid position is conserved. In addition, this alteration is predicted to be tolerated by in silico analysis. Based on the available evidence, the clinical significance of this variant remains unclear.